The following is an entry in ClinVar:

NM_001184.4(ATR):c.6488T>A (p.Ile2163Lys)

Gene: ATR (ATR checkpoint kinase; minus strand). Cytogenetic location: 3q23.
Variant type: single nucleotide variant.
Coding change: c.6488T>A on transcript NM_001184.4 (MANE Select); coding-DNA position 6488, T replaced by A.
Protein change: p.Ile2163Lys; replaces isoleucine 2163 with lysine.
Molecular consequence: missense variant.
Genome position (GRCh38, 1-based): chr3:142,469,401, A>T on the plus strand (T>A on the coding strand, the complement: ATR is on the minus strand). VCF-style: chr3-142469401-A-T. GRCh37 (hg19) VCF-style: chr3-142188243-A-T.
Other names: c.6296T>A, p.Ile2099Lys (NM_001354579.2); short protein forms I2099K, I2163K.
Identifiers: ClinVar variation 2811735 (VCV002811735.3), dbSNP rs2108278826, ClinGen allele CA354804515.

ClinVar aggregate classification (germline): Uncertain significance (1 of 4 stars; one submission).

Submission:

Labcorp Genetics (formerly Invitae), Labcorp
Classification: Uncertain significance. Last evaluated: 2022-11-03. Review status: criteria provided, single submitter. Criteria: Invitae Variant Classification Sherloc (09022015). Collection method: clinical testing. Allele origin: germline.
Comment: In summary, the available evidence is currently insufficient to determine the role of this variant in disease. Therefore, it has been classified as a Variant of Uncertain Significance. Algorithms developed to predict the effect of missense changes on protein structure and function (SIFT, PolyPhen-2, Align-GVGD) all suggest that this variant is likely to be disruptive. This variant has not been reported in the literature in individuals affected with ATR-related conditions. This variant is not present in population databases (gnomAD no frequency). This sequence change replaces isoleucine, which is neutral and non-polar, with lysine, which is basic and polar, at codon 2163 of the ATR protein (p.Ile2163Lys).